The following is an entry in ClinVar:

ClinVar aggregate classification (germline): Pathogenic (1 of 4 stars; one submission).

Conditions:
Familial cancer of breast. Also called: hereditary breast carcinoma; BREAST CANCER, FAMILIAL; Hereditary breast cancer. Identifiers: Orphanet 227535, MedGen C0346153, MONDO:0016419, OMIM 114480. Disease mechanism: loss of function.
Fanconi anemia complementation group J. Also called: BRIP1-Related Fanconi Anemia. Identifiers: Orphanet 84, MedGen C1836860, MONDO:0012187, OMIM 609054.

Submission:

Labcorp Genetics (formerly Invitae), Labcorp
Classification: Pathogenic for Familial cancer of breast; Fanconi anemia complementation group J. Last evaluated: 2022-01-07. Review status: criteria provided, single submitter. Criteria: Invitae Variant Classification Sherloc (09022015). Collection method: clinical testing. Allele origin: germline.
Comment: This variant is a gross deletion of the genomic region encompassing exon(s) 18 of the BRIP1 gene. This deletion is out-of-frame, and is expected to create a premature termination codon and result in an absent or disrupted protein product. Loss-of-function variants in BRIP1 are known to be pathogenic (PMID: 16116423, 17033622, 21964575). This variant has not been reported in the literature in individuals affected with BRIP1-related conditions. For these reasons, this variant has been classified as Pathogenic.

Literature cited by the submitters: PubMed 16116423; PubMed 17033622; PubMed 21964575.

NC_000017.10:g.(?_59770781)_(59770883_?)del

Gene: BRIP1 (BRCA1 interacting DNA helicase 1; minus strand). Cytogenetic location: 17q23.2.
Variant type: Deletion.
Identifiers: ClinVar variation 1458458 (VCV001458458.5).